The following is an entry in ClinVar:

ClinVar aggregate classification (germline): Uncertain significance. Review status: criteria provided, multiple submitters, no conflicts (2 of 4 stars). 5 submissions from 5 submitters: Uncertain significance (5). Last evaluated 2023-11-25.

Conditions:
Autosomal recessive spastic paraplegia type 78. Identifiers: Orphanet 513436, MedGen C5567893, MONDO:0014975, OMIM 617225.
Kufor-Rakeb syndrome (KRS). Also called: PARKINSON DISEASE 9, AUTOSOMAL RECESSIVE, JUVENILE-ONSET. Identifiers: Orphanet 306674, Orphanet 314632, MedGen C1847640, MONDO:0011706, OMIM 606693.

Allele frequency attached by ClinVar (database versions not stated): ExAC 0.00002; TOPMed 0.00002; gnomAD exomes 0.00004.

Submissions (5):

Progenie Molecular
Classification: Uncertain significance for Autosomal recessive spastic paraplegia type 78. Last evaluated: 2023-11-25. Review status: criteria provided, single submitter. Criteria: ACMG Guidelines, 2015. Collection method: clinical testing. Allele origin: germline. Inheritance: Autosomal recessive inheritance. Affected: yes and no. Observed: 7 variant alleles, 4 heterozygotes, 3 compound heterozygotes. Clinical features observed: Spastic paraplegia (HP:0001258), Lower limb spasticity (HP:0002061), Gait disturbance (HP:0001288), Urinary urgency (HP:0000012), Contracture of palmar fascia (HP:0005679).
Comment: In silico analysis predicted that the c.649G>A variant is deleterious by SIFT and Polyphen. The variant has a frequency of 1.3e-5 in gnomAD and was absent in 1000 Genomes. In summary, we consider the c.649G>A variant to be of uncertain significance when analysed independently from c.2097delC, as it meets our criteria based on a segregation study, software prediction and extremely low frequency, but does not reach sufficient evidence for being considered as likely pathogenic on its own. This significance is in accordance with two other submissions of the c.649G>A variant in ClinVar.

GeneDx
Classification: Uncertain significance. Last evaluated: 2023-09-28. Review status: criteria provided, single submitter. Criteria: GeneDx Variant Classification Process June 2021. Collection method: clinical testing. Allele origin: germline. Affected: yes.
Comment: Identified in the heterozygous state in an individual with early-onset Parkinson's disease (Cristina et al., 2020); In silico analysis supports that this missense variant has a deleterious effect on protein structure/function; This variant is associated with the following publications: (PMID: 32870915)

Labcorp Genetics (formerly Invitae), Labcorp
Classification: Uncertain significance for Kufor-Rakeb syndrome; Autosomal recessive spastic paraplegia type 78. Last evaluated: 2022-05-20. Review status: criteria provided, single submitter. Criteria: Invitae Variant Classification Sherloc (09022015). Collection method: clinical testing. Allele origin: germline.
Comment: This sequence change replaces glycine, which is neutral and non-polar, with serine, which is neutral and polar, at codon 217 of the ATP13A2 protein (p.Gly217Ser). This variant is present in population databases (rs199961048, gnomAD 0.02%). This variant has not been reported in the literature in individuals affected with ATP13A2-related conditions. ClinVar contains an entry for this variant (Variation ID: 582023). Advanced modeling of protein sequence and biophysical properties (such as structural, functional, and spatial information, amino acid conservation, physicochemical variation, residue mobility, and thermodynamic stability) performed at Invitae indicates that this missense variant is expected to disrupt ATP13A2 protein function. In summary, the available evidence is currently insufficient to determine the role of this variant in disease. Therefore, it has been classified as a Variant of Uncertain Significance.

Blueprint Genetics
Classification: Uncertain significance. Last evaluated: 2022-03-22. Review status: criteria provided, single submitter. Criteria: ACMG Guidelines, 2015. Collection method: clinical testing. Allele origin: germline.

Baylor Genetics
Classification: Uncertain significance for Autosomal recessive spastic paraplegia type 78. Last evaluated: 2019-07-23. Review status: criteria provided, single submitter. Criteria: ACMG Guidelines, 2015. Collection method: clinical testing. Allele origin: unknown. Affected: yes.
Comment: This variant was determined to be of uncertain significance according to ACMG Guidelines, 2015 [PMID:25741868].

NM_022089.4(ATP13A2):c.649G>A (p.Gly217Ser)

Gene: ATP13A2 (ATPase cation transporting 13A2; minus strand). Cytogenetic location: 1p36.13.
Variant type: single nucleotide variant.
Coding change: c.649G>A on transcript NM_022089.4 (MANE Select); coding-DNA position 649, G replaced by A.
Protein change: p.Gly217Ser; replaces glycine 217 with serine.
Molecular consequence: missense variant.
Genome position (GRCh38, 1-based): chr1:17,002,090, C>T on the plus strand (G>A on the coding strand, the complement: ATP13A2 is on the minus strand). VCF-style: chr1-17002090-C-T. GRCh37 (hg19) VCF-style: chr1-17328585-C-T.
Other names: c.634G>A, p.Gly212Ser (NM_001141973.3, NM_001141974.3); short protein forms G217S, G212S.
Identifiers: ClinVar variation 582023 (VCV000582023.8), dbSNP rs199961048, ClinGen allele CA637541.